The following is an entry in ClinVar:

NM_001042545.2(LTBP4):c.770G>A (p.Cys257Tyr)

Genes: LTBP4 (latent transforming growth factor beta binding protein 4; plus strand), LOC130064475 (ATAC-STARR-seq lymphoblastoid silent region 10639; plus strand). Cytogenetic location: 19q13.2.
Variant type: single nucleotide variant.
Coding change: c.770G>A on transcript NM_001042545.2 (MANE Select); coding-DNA position 770, G replaced by A.
Protein change: p.Cys257Tyr; replaces cysteine 257 with tyrosine.
Molecular consequence: missense variant.
Genome position (GRCh38, 1-based): chr19:40,605,808, G>A. VCF-style: chr19-40605808-G-A. GRCh37 (hg19) VCF-style: chr19-41111714-G-A.
Other names: c.971G>A, p.Cys324Tyr (NM_001042544.1); c.860G>A, p.Cys287Tyr (NM_003573.2); short protein forms C257Y, C287Y, C324Y.
Identifiers: ClinVar variation 1333362 (VCV001333362.1), dbSNP rs2146021507, ClinGen allele CA405934065.

ClinVar aggregate classification (germline): Uncertain significance (1 of 4 stars; one submission).

Conditions:
Cutis laxa with severe pulmonary, gastrointestinal and urinary anomalies. Also called: URBAN-RIFKIN-DAVIS SYNDROME; Cutis laxa, autosomal recessive, type IC; LTBP4-Related Cutis Laxa. Identifiers: Orphanet 221145, MedGen C2750804, MONDO:0013170, OMIM 613177. Disease mechanism: loss of function.

Submission:

3billion
Classification: Uncertain significance for Cutis laxa with severe pulmonary, gastrointestinal and urinary anomalies. Last evaluated: 2022-01-03. Review status: criteria provided, single submitter. Criteria: ACMG Guidelines, 2015. Collection method: clinical testing. Allele origin: germline. Affected: yes. Observed: 1 heterozygote.
Comment: The variant not observed in the gnomAD v2.1.1 dataset (PM2_M). In silico tool predictions suggest damaging effect of the variant on gene or gene product (REVEL: 0.751, PP3_P). Therefore, this variant is classified as uncertain significance according to the recommendation of ACMG/AMP guideline.